The following is an entry in ClinVar:

ClinVar aggregate classification (germline): Conflicting classifications of pathogenicity. Review status: criteria provided, conflicting classifications (1 of 4 stars). 2 submissions from 2 submitters: Uncertain significance (1); Likely benign (1). Last evaluated 2024-09-11.

Allele frequency attached by ClinVar (database versions not stated): gnomAD exomes 0.00004; gnomAD 0.00005; TOPMed 0.00006.
gnomAD v4.1: 58 of 1,538,610 alleles (0.0038%); highest among the groups gnomAD compares: Middle Eastern, 0.033%; no homozygotes.

Submissions (2):

Labcorp Genetics (formerly Invitae), Labcorp
Classification: Uncertain significance. Last evaluated: 2024-09-11. Review status: criteria provided, single submitter. Criteria: Invitae Variant Classification Sherloc (09022015). Collection method: clinical testing. Allele origin: germline.
Comment: This sequence change replaces arginine, which is basic and polar, with cysteine, which is neutral and slightly polar, at codon 1879 of the RNF213 protein (p.Arg1879Cys). This variant is present in population databases (rs776910365, gnomAD 0.006%). This variant has not been reported in the literature in individuals affected with RNF213-related conditions. ClinVar contains an entry for this variant (Variation ID: 2648416). An algorithm developed to predict the effect of missense changes on protein structure and function (PolyPhen-2) suggests that this variant is likely to be disruptive. In summary, the available evidence is currently insufficient to determine the role of this variant in disease. Therefore, it has been classified as a Variant of Uncertain Significance.

CeGaT Center for Human Genetics Tuebingen
Classification: Likely benign. Last evaluated: 2022-08-01. Review status: criteria provided, single submitter. Criteria: CeGaT Center For Human Genetics Tuebingen Variant Classification Criteria Version 2. Collection method: clinical testing. Allele origin: germline. Affected: yes. Observed: 1 variant allele.
Comment: RNF213: BP4

NM_001256071.3(RNF213):c.5635C>T (p.Arg1879Cys)

Gene: RNF213 (ring finger protein 213; plus strand). Cytogenetic location: 17q25.3.
Variant type: single nucleotide variant.
Coding change: c.5635C>T on transcript NM_001256071.3 (MANE Select); coding-DNA position 5635, C replaced by T.
Protein change: p.Arg1879Cys; replaces arginine 1879 with cysteine.
Molecular consequence: missense variant.
Genome position (GRCh38, 1-based): chr17:80,340,002, C>T. VCF-style: chr17-80340002-C-T. GRCh37 (hg19) VCF-style: chr17-78313802-C-T.
Other names: c.5782C>T, p.Arg1928Cys (NM_001410195.1, NM_020914.5); short protein forms R1879C, R1928C.
Identifiers: ClinVar variation 2648416 (VCV002648416.27), dbSNP rs776910365, ClinGen allele CA8820349.